The following is an entry in ClinVar:

NM_153717.3(EVC):c.1887-5_1904del

Gene: EVC (EvC ciliary complex subunit 1; plus strand). Cytogenetic location: 4p16.2.
Variant type: Deletion.
Coding change: c.1887-5_1904del on transcript NM_153717.3 (MANE Select); 5 bases into the intron before coding-DNA position 1887 through coding-DNA position 1904, 23 bases deleted (CAAAGGTCCACGCGGTGTGTCCT).
Molecular consequence: splice acceptor variant.
Genome position (GRCh38, 1-based): chr4:5,797,017-5,797,039, CAAAGGTCCACGCGGTGTGTCCT deleted; deleting any 23 consecutive bases within chr4:5,797,013-5,797,039 gives the same sequence; the c. name uses the placement nearest the transcript's 3' end. VCF-style (leftmost placement, unchanged base first): chr4-5797012-TTCCTCAAAGGTCCACGCGGTGTG-T. GRCh37 (hg19) VCF-style: chr4-5798739-TTCCTCAAAGGTCCACGCGGTGTG-T.
Other names: c.1887-5_1904del (NM_001306090.2); c.1887-5_1904delCAAAGGTCCACGCGGTGTGTCCT (NM_153717.2); c.1887-5_1904del23 (NM_153717.2).
Identifiers: ClinVar variation 550897 (VCV000550897.18), dbSNP rs779275317, ClinGen allele CA2836306.

ClinVar aggregate classification (germline): Pathogenic/Likely pathogenic. Review status: criteria provided, multiple submitters, no conflicts (2 of 4 stars). 6 submissions from 6 submitters: Pathogenic (4); Likely pathogenic (1). 1 of the submissions does not count toward it. Last evaluated 2025-10-08.

Conditions:
EVC-related disorder. Also called: EVC-related disorders; EVC-related condition.
Curry-Hall syndrome (WAD). Also called: WEYERS ACRODENTAL DYSOSTOSIS. Identifiers: Orphanet 952, MedGen C0457013, MONDO:0008673, OMIM 193530.
Ellis-van Creveld syndrome (EVC). Also called: Chondroectodermal dysplasia; MESOECTODERMAL DYSPLASIA. Identifiers: Orphanet 289, MedGen C0013903, MONDO:0009162, OMIM 225500.

Submissions (6):

Natera, Inc.
Classification: Pathogenic for Ellis-van Creveld syndrome. Last evaluated: 2025-10-08. Review status: criteria provided, single submitter. Criteria: Natera Variant Classification Schema (03/2026). Collection method: clinical testing. Allele origin: germline.
Comment: The c.1887-5_1904delCAAAGGTCCACGCGGTGTGTCCT variant in EVC is a deletion affecting a canonical splice acceptor site. This variant is expected to result in nonsense mediated decay, truncation, or a dysfunctional protein product. This variant is rare in the general population with a frequency below the threshold expected for the associated phenotype(s). This variant has been observed in one or more individuals affected with the associated recessive disease, as either homozygous or compound heterozygous with a second variant (PMID: 19251731). Given the available evidence, this variant is classified as Pathogenic.

GeneDx
Classification: Pathogenic. Last evaluated: 2025-09-04. Review status: criteria provided, single submitter. Criteria: GeneDx Variant Classification Process June 2021. Collection method: clinical testing. Allele origin: germline. Affected: yes.
Comment: Deletion predicted to destroy the canonical splice acceptor site in a gene for which loss-of-function is a known mechanism of disease; Also known as Del_IVS13 (-9 to +14); This variant is associated with the following publications: (PMID: 35927022, 19251731)

Labcorp Genetics (formerly Invitae), Labcorp
Classification: Pathogenic for Curry-Hall syndrome; Ellis-van Creveld syndrome. Last evaluated: 2025-09-02. Review status: criteria provided, single submitter. Criteria: Invitae Variant Classification Sherloc (09022015). Collection method: clinical testing. Allele origin: germline.
Comment: This variant results in the deletion of part of exon 14 (c.1887-5_1904del) of the EVC gene. It is expected to disrupt RNA splicing. Variants that disrupt the donor or acceptor splice site typically lead to a loss of protein function (PMID: 16199547), and loss-of-function variants in EVC are known to be pathogenic (PMID: 23220543). This variant is present in population databases (rs779275317, gnomAD 0.05%). This variant has been observed in individuals with Ellis-van Creveld syndrome (PMID: 19251731, 35927022). This variant is also known as Del IVS13 (-9 to +14). ClinVar contains an entry for this variant (Variation ID: 550897). For these reasons, this variant has been classified as Pathogenic.

Fulgent Genetics
Classification: Likely pathogenic for Curry-Hall syndrome; Ellis-van Creveld syndrome. Last evaluated: 2024-04-20. Review status: criteria provided, single submitter. Criteria: ACMG Guidelines, 2015. Collection method: clinical testing. Allele origin: germline.

PreventionGenetics, part of Exact Sciences
Classification: Pathogenic for EVC-related condition. Last evaluated: 2022-12-19. Review status: criteria provided, single submitter. Criteria: ACMG Guidelines, 2015. Collection method: clinical testing. Allele origin: germline.
Comment: The EVC c.1887-5_1904del23 variant is predicted to result in a deletion affecting a canonical splice site. This variant was reported to be pathogenic for Ellis-van Creveld syndrome (see example: Figure 2A, Aubert-Mucca et al. 2022. PubMed ID: 35927022). This variant is reported in 0.046% of alleles in individuals of African descent in gnomAD. This variant is interpreted as pathogenic.

Counsyl
Classification: Likely pathogenic for Ellis-van Creveld syndrome. Last evaluated: 2017-02-28. Review status: no assertion criteria provided. Collection method: clinical testing. Allele origin: unknown. Not counted in ClinVar's aggregate classification.

Literature cited by the submitters: PubMed 19251731 (cited by Natera, Inc. and Labcorp Genetics (formerly Invitae), Labcorp); PubMed 16199547 (cited by Labcorp Genetics (formerly Invitae), Labcorp); PubMed 23220543 (cited by Labcorp Genetics (formerly Invitae), Labcorp); PubMed 35927022 (cited by Labcorp Genetics (formerly Invitae), Labcorp).